The following is an entry in ClinVar:

ClinVar aggregate classification (germline): Uncertain significance. Review status: criteria provided, multiple submitters, no conflicts (2 of 4 stars). 2 submissions from 2 submitters: Uncertain significance (2). Last evaluated 2024-12-20.

Conditions:
Tuberous sclerosis 2 (TSC2). Identifiers: Orphanet 805, MedGen C1860707, MONDO:0013199, OMIM 613254.
Hereditary cancer-predisposing syndrome. Also called: Hereditary neoplastic syndrome; Hereditary Cancer Syndrome; Neoplastic Syndromes, Hereditary; Tumor predisposition. Identifiers: Orphanet 140162, MedGen C0027672, MeSH D009386, MONDO:0015356.

Submissions (2):

Ambry Genetics
Classification: Uncertain significance for Hereditary cancer-predisposing syndrome. Last evaluated: 2024-12-20. Review status: criteria provided, single submitter. Criteria: Ambry Variant Classification Scheme 2023. Collection method: clinical testing. Allele origin: germline.
Comment: The p.E47G variant (also known as c.140A>G), located in coding exon 2 of the TSC2 gene, results from an A to G substitution at nucleotide position 140. The glutamic acid at codon 47 is replaced by glycine, an amino acid with similar properties. This amino acid position is conserved. In addition, the in silico prediction for this alteration is inconclusive. Based on the available evidence, the clinical significance of this variant remains unclear.

Labcorp Genetics (formerly Invitae), Labcorp
Classification: Uncertain significance for Tuberous sclerosis 2. Last evaluated: 2024-04-10. Review status: criteria provided, single submitter. Criteria: Invitae Variant Classification Sherloc (09022015). Collection method: clinical testing. Allele origin: germline.
Comment: This sequence change replaces glutamic acid, which is acidic and polar, with glycine, which is neutral and non-polar, at codon 47 of the TSC2 protein (p.Glu47Gly). This variant is not present in population databases (gnomAD no frequency). This variant has not been reported in the literature in individuals affected with TSC2-related conditions. An algorithm developed to predict the effect of missense changes on protein structure and function (PolyPhen-2) suggests that this variant is likely to be disruptive. In summary, the available evidence is currently insufficient to determine the role of this variant in disease. Therefore, it has been classified as a Variant of Uncertain Significance.

NM_000548.5(TSC2):c.140A>G (p.Glu47Gly)

Gene: TSC2 (TSC complex subunit 2; plus strand). Cytogenetic location: 16p13.3.
Variant type: single nucleotide variant.
Coding change: c.140A>G on transcript NM_000548.5 (MANE Select); coding-DNA position 140, A replaced by G.
Protein change: p.Glu47Gly; replaces glutamic acid 47 with glycine.
Molecular consequence: missense variant. On other transcripts: 5 prime UTR variant (25), non-coding transcript variant (5).
Genome position (GRCh38, 1-based): chr16:2,050,401, A>G. VCF-style: chr16-2050401-A-G. GRCh37 (hg19) VCF-style: chr16-2100402-A-G.
Other names: c.140A>G, p.Glu47Gly (NM_001077183.3, NM_001114382.3, NM_001318827.2 and 13 more transcripts); c.-8A>G (NM_001318829.2, NM_001406675.1, NM_001406676.1 and 2 more transcripts); c.-87A>G (NM_001318831.2, NM_001406682.1, NM_001406684.1 and 3 more transcripts); c.173A>G, p.Glu58Gly (NM_001318832.2); c.-677A>G (NM_001406680.1, NM_001406683.1, NM_001406687.1); c.-306A>G (NM_001406681.1); c.-1292A>G (NM_001406689.1, NM_001406690.1, NM_001406691.1 and 2 more transcripts); c.-1598A>G (NM_001406693.1); and 3 more; short protein forms E47G, E58G.
Identifiers: ClinVar variation 3649458 (VCV003649458.3).